The following is an entry in ClinVar:

NM_006383.4(CIB2):c.192G>A (p.Glu64=)

Gene: CIB2 (calcium and integrin binding family member 2; minus strand). Cytogenetic location: 15q25.1.
Variant type: single nucleotide variant.
Coding change: c.192G>A on transcript NM_006383.4 (MANE Select); coding-DNA position 192, G replaced by A.
Protein change: p.Glu64=; no amino-acid change (glutamic acid 64 retained).
Molecular consequence: synonymous variant. On other transcripts: intron variant (2).
Genome position (GRCh38, 1-based): chr15:78,111,171, C>T on the plus strand (G>A on the coding strand, the complement: CIB2 is on the minus strand). VCF-style: chr15-78111171-C-T. GRCh37 (hg19) VCF-style: chr15-78403513-C-T.
Other names: c.63G>A, p.Glu21= (NM_001271888.2); c.52-1789G>A (NM_001271889.2); c.87-1662G>A (NM_001301224.2).
Identifiers: ClinVar variation 259970 (VCV000259970.24), dbSNP rs145415848, ClinGen allele CA7680315.

ClinVar aggregate classification (germline): Conflicting classifications of pathogenicity. Review status: criteria provided, conflicting classifications (1 of 4 stars). 6 submissions from 6 submitters: Uncertain significance (1); Likely benign (5). Last evaluated 2026-01-18.

Allele frequency attached by ClinVar (database versions not stated): ExAC 0.00012; gnomAD 0.00012 and 0.00010; 1000 Genomes Project 30x 0.00016; ESP Exome Variant Server 0.00008; TOPMed 0.00011; 1000 Genomes Project 0.00020.
gnomAD v4.1: 178 of 1,613,958 alleles (0.011%); highest among the groups gnomAD compares: Middle Eastern, 0.41%; 1 homozygote.

Submissions (6):

Labcorp Genetics (formerly Invitae), Labcorp
Classification: Likely benign. Last evaluated: 2026-01-18. Review status: criteria provided, single submitter. Criteria: Invitae Variant Classification Sherloc (09022015). Collection method: clinical testing. Allele origin: germline.

Blueprint Genetics
Classification: Likely benign. Last evaluated: 2024-11-14. Review status: criteria provided, single submitter. Criteria: ACMG Guidelines, 2015. Collection method: clinical testing. Allele origin: germline.

GeneDx
Classification: Likely benign. Last evaluated: 2021-03-06. Review status: criteria provided, single submitter. Criteria: GeneDx Variant Classification Process June 2021. Collection method: clinical testing. Allele origin: germline. Affected: yes.

Laboratory for Molecular Medicine, Mass General Brigham Personalized Medicine
Classification: Likely benign. Last evaluated: 2020-06-04. Review status: criteria provided, single submitter. Criteria: LMM Criteria. Collection method: clinical testing. Allele origin: germline. Observed: 1 variant allele.
Comment: The p.Glu64Glu variant in CIB2 is classified as likely benign because it does not alter an amino acid residue, is not located within the splice consensus site, and computational splice prediction tools do not predict an impact on splicing. ACMG/AMP Criteria applied: BP4, BP7.

Eurofins Ntd Llc (ga)
Classification: Uncertain significance. Last evaluated: 2017-02-01. Review status: criteria provided, single submitter. Criteria: EGL Classification Definitions 2015. Collection method: clinical testing. Allele origin: germline. Observed: 1 variant allele, 1 heterozygote.

PreventionGenetics, part of Exact Sciences
Classification: Likely benign. Review status: criteria provided, single submitter. Criteria: ACMG Guidelines, 2015. Collection method: clinical testing. Allele origin: germline.